The following is an entry in ClinVar:

NM_001330078.2(NRXN1):c.2386G>T (p.Glu796Ter)

Gene: NRXN1 (neurexin 1; minus strand). Cytogenetic location: 2p16.3.
Variant type: single nucleotide variant.
Coding change: c.2386G>T on transcript NM_001330078.2 (MANE Select); coding-DNA position 2386, G replaced by T.
Protein change: p.Glu796Ter; replaces glutamic acid 796 with a stop codon.
Molecular consequence: nonsense.
Genome position (GRCh38, 1-based): chr2:50,506,606, C>A on the plus strand (G>T on the coding strand, the complement: NRXN1 is on the minus strand). VCF-style: chr2-50506606-C-A. GRCh37 (hg19) VCF-style: chr2-50733744-C-A.
Other names: c.2320G>T, p.Glu774Ter (NM_001330083.2, NM_001330084.2); c.2359G>T, p.Glu787Ter (NM_001330085.2); c.2386G>T, p.Glu796Ter (NM_001330086.2, NM_004801.6); c.2275G>T, p.Glu759Ter (NM_001330087.2, NM_001330096.2); c.2305G>T, p.Glu769Ter (NM_001330088.2); c.2383G>T, p.Glu795Ter (NM_001330093.2); c.2374G>T, p.Glu792Ter (NM_001330094.2); c.2335G>T, p.Glu779Ter (NM_001330095.2); and 2 more; short protein forms E795*, E779*, E787*, E774*, E788*, E759*, E769*, E792*.
Identifiers: ClinVar variation 1399605 (VCV001399605.6), dbSNP rs1285800435, ClinGen allele CA346778058.

ClinVar aggregate classification (germline): Pathogenic (1 of 4 stars; one submission).

Conditions:
Pitt-Hopkins-like syndrome 2 (PTHSL2). Identifiers: Orphanet 221150, Orphanet 600663, MedGen C3280479, MONDO:0013690, OMIM 614325.

Submission:

Labcorp Genetics (formerly Invitae), Labcorp
Classification: Pathogenic for Pitt-Hopkins-like syndrome 2. Last evaluated: 2022-06-14. Review status: criteria provided, single submitter. Criteria: Invitae Variant Classification Sherloc (09022015). Collection method: clinical testing. Allele origin: germline.
Comment: For these reasons, this variant has been classified as Pathogenic. Algorithms developed to predict the effect of sequence changes on RNA splicing suggest that this variant may disrupt the consensus splice site. This variant has not been reported in the literature in individuals affected with NRXN1-related conditions. This variant is not present in population databases (gnomAD no frequency). This sequence change creates a premature translational stop signal (p.Glu836*) in the NRXN1 gene. It is expected to result in an absent or disrupted protein product. Loss-of-function variants in NRXN1 are known to be pathogenic (PMID: 19896112, 21964664, 23495017, 23533028, 25149956, 30031152).

Literature cited by the submitters: PubMed 19896112; PubMed 21964664; PubMed 23495017; PubMed 23533028; PubMed 25149956; PubMed 30031152.